The following is an entry in ClinVar:

NM_007294.4(BRCA1):c.5110T>C (p.Phe1704Leu)

Gene: BRCA1 (BRCA1 DNA repair associated; minus strand). Cytogenetic location: 17q21.31.
Variant type: single nucleotide variant.
Coding change: c.5110T>C on transcript NM_007294.4 (MANE Select); coding-DNA position 5110, T replaced by C.
Protein change: p.Phe1704Leu; replaces phenylalanine 1704 with leucine.
Molecular consequence: missense variant. On other transcripts: non-coding transcript variant (1).
Genome position (GRCh38, 1-based): chr17:43,063,916, A>G on the plus strand (T>C on the coding strand, the complement: BRCA1 is on the minus strand). VCF-style: chr17-43063916-A-G. GRCh37 (hg19) VCF-style: chr17-41215933-A-G.
Other names: c.4897T>C, p.Phe1633Leu (NM_001407896.1, NM_001407897.1, NM_001407898.1 and 12 more transcripts); c.4987T>C, p.Phe1663Leu (NM_001407919.1, NM_001407938.1, NM_001407664.1 and 6 more transcripts); c.4846T>C, p.Phe1616Leu (NM_001407920.1, NM_001407921.1, NM_001407922.1 and 4 more transcripts); c.4843T>C, p.Phe1615Leu (NM_001407927.1, NM_001407928.1, NM_001407929.1 and 4 more transcripts); c.4984T>C, p.Phe1662Leu (NM_001407939.1, NM_001407940.1, NM_001407670.1 and 10 more transcripts); c.4981T>C, p.Phe1661Leu (NM_001407941.1, NM_001407681.1, NM_001407682.1 and 6 more transcripts); c.4969T>C, p.Phe1657Leu (NM_001407942.1, NM_007297.4, NM_001407726.1 and 13 more transcripts); c.4966T>C, p.Phe1656Leu (NM_001407943.1, NM_001407944.1, NM_001407945.1 and 21 more transcripts); and 71 more; short protein forms F1704L, F1725L, F600L, F1657L, F1575L, F1591L, F1593L, F1616L.
Identifiers: ClinVar variation 440479 (VCV000440479.21), dbSNP rs1555578599, ClinGen allele CA10591310.

ClinVar aggregate classification (germline): Uncertain significance. Review status: criteria provided, multiple submitters, no conflicts (2 of 4 stars). 4 submissions from 4 submitters: Uncertain significance (4). Last evaluated 2025-09-26.

Conditions:
Hereditary breast ovarian cancer syndrome. Also called: Hereditary breast and ovarian cancer syndrome (HBOC); BRCA1- and BRCA2-Associated Hereditary Breast and Ovarian Cancer; Hereditary breast and/or ovarian cancer syndrome; Hereditary breast and ovarian cancer syndrome; Hereditary breast and ovarian cancer; Breast and ovarian cancer. Identifiers: Orphanet 145, MedGen C0677776, MeSH D061325, MONDO:0003582. Disease mechanism: loss of function.
Hereditary cancer-predisposing syndrome. Also called: Neoplastic Syndromes, Hereditary; Hereditary neoplastic syndrome; Tumor predisposition; Hereditary Cancer Syndrome. Identifiers: Orphanet 140162, MedGen C0027672, MeSH D009386, MONDO:0015356.
Breast-ovarian cancer, familial, susceptibility to, 1 (BROVCA1). Also called: BRCA1 Hereditary Breast and Ovarian Cancer; OVARIAN CANCER, SUSCEPTIBILITY TO. Identifiers: Orphanet 145, MedGen C2676676, MONDO:0011450, OMIM 604370. Disease mechanism: loss of function.

Allele frequency attached by ClinVar (database versions not stated): gnomAD exomes below 0.00001; TOPMed below 0.00001.
gnomAD v4.1: 2 of 1,614,148 alleles (0.00012%); highest among the groups gnomAD compares: Non-Finnish European, 0.00017%; no homozygotes.

Submissions (5):

Ambry Genetics
Classification: Uncertain significance for Hereditary cancer-predisposing syndrome. Last evaluated: 2025-09-26. Review status: criteria provided, single submitter. Criteria: Ambry Variant Classification Scheme 2023. Collection method: clinical testing. Allele origin: germline.
Comment: The p.F1704L variant (also known as c.5110T>C), located in coding exon 16 of the BRCA1 gene, results from a T to C substitution at nucleotide position 5110. The phenylalanine at codon 1704 is replaced by leucine, an amino acid with highly similar properties. One functional study found that this nucleotide substitution is non-functional in a high-throughput, genome editing, haploid cell survival assay (Findlay GM et al. Nature, 2018 10;562:217-222). This amino acid position is highly conserved in available vertebrate species. In addition, this alteration is predicted to be deleterious by in silico analysis. Based on the available evidence, the clinical significance of this variant remains unclear.

Baylor Genetics
Classification: Uncertain significance for Breast-ovarian cancer, familial, susceptibility to, 1. Last evaluated: 2023-09-05. Review status: criteria provided, single submitter. Criteria: ACMG Guidelines, 2015. Collection method: clinical testing. Allele origin: unknown.

Labcorp Genetics (formerly Invitae), Labcorp
Classification: Uncertain significance for Hereditary breast ovarian cancer syndrome. Last evaluated: 2023-08-11. Review status: criteria provided, single submitter. Criteria: Invitae Variant Classification Sherloc (09022015). Collection method: clinical testing. Allele origin: germline.
Comment: Advanced modeling performed at Invitae incorporating data from internal and/or published experimental studies (PMID: 30209399) indicates that this missense variant is expected to disrupt BRCA1 function. In summary, the available evidence is currently insufficient to determine the role of this variant in disease. Therefore, it has been classified as a Variant of Uncertain Significance. Experimental studies have shown that this missense change affects BRCA1 function (PMID: 30209399). ClinVar contains an entry for this variant (Variation ID: 440479). This variant has not been reported in the literature in individuals affected with BRCA1-related conditions. This variant is not present in population databases (gnomAD no frequency). This sequence change replaces phenylalanine, which is neutral and non-polar, with leucine, which is neutral and non-polar, at codon 1704 of the BRCA1 protein (p.Phe1704Leu).

Quest Diagnostics Nichols Institute San Juan Capistrano
Classification: Uncertain significance. Last evaluated: 2016-11-21. Review status: criteria provided, single submitter. Criteria: Quest Diagnostics criteria. Collection method: clinical testing. Allele origin: germline.

Brotman Baty Institute, University of Washington
No classification provided (evidence only). Condition: Breast-ovarian cancer, familial 1. Review status: no classification provided. Collection method: in vitro. Allele origin: not applicable. Functional consequence: functionally_abnormal. Not counted in ClinVar's aggregate classification.
ClinVar note: "not provided" was previously submitted as the classification for the variant. However, the classification appeared to be based only on an observation of functional data so it was converted to no classification on 2025-07-30.

Literature cited by the submitters: PubMed 30209399 (cited by Ambry Genetics and Labcorp Genetics (formerly Invitae), Labcorp); PubMed 33106425 (cited by Ambry Genetics).